The following is an entry in ClinVar:

ClinVar aggregate classification (germline): Uncertain significance (1 of 4 stars; one submission).

Submission:

Labcorp Genetics (formerly Invitae), Labcorp
Classification: Uncertain significance. Last evaluated: 2025-12-10. Review status: criteria provided, single submitter. Criteria: Invitae Variant Classification Sherloc (09022015). Collection method: clinical testing. Allele origin: germline.
Comment: This sequence change replaces asparagine, which is neutral and polar, with histidine, which is basic and polar, at codon 439 of the ALPL protein (p.Asn439His). This variant is not present in population databases (gnomAD no frequency). This variant has not been reported in the literature in individuals affected with ALPL-related conditions. Invitae Evidence Modeling of protein sequence and biophysical properties (such as structural, functional, and spatial information, amino acid conservation, physicochemical variation, residue mobility, and thermodynamic stability) indicates that this missense variant is expected to disrupt ALPL protein function with a positive predictive value of 95%. In summary, the available evidence is currently insufficient to determine the role of this variant in disease. Therefore, it has been classified as a Variant of Uncertain Significance.

NM_000478.6(ALPL):c.1315A>C (p.Asn439His)

Gene: ALPL (alkaline phosphatase, biomineralization associated; plus strand). Cytogenetic location: 1p36.12.
Variant type: single nucleotide variant.
Coding change: c.1315A>C on transcript NM_000478.6 (MANE Select); coding-DNA position 1315, A replaced by C.
Protein change: p.Asn439His; replaces asparagine 439 with histidine.
Molecular consequence: missense variant.
Genome position (GRCh38, 1-based): chr1:21,577,388, A>C. VCF-style: chr1-21577388-A-C. GRCh37 (hg19) VCF-style: chr1-21903881-A-C.
Other names: c.1150A>C, p.Asn384His (NM_001127501.4); c.1084A>C, p.Asn362His (NM_001177520.3); c.1315A>C, p.Asn439His (NM_001369803.2, NM_001369804.2, NM_001369805.2); short protein forms N362H, N384H, N439H.
Identifiers: ClinVar variation 4799875 (VCV004799875.1).